The following is an entry in ClinVar:

NM_003718.5(CDK13):c.382C>T (p.Gln128Ter)

Genes: CDK13 (cyclin dependent kinase 13; plus strand), LOC129998292 (ATAC-STARR-seq lymphoblastoid silent region 18115; plus strand). Cytogenetic location: 7p14.1.
Variant type: single nucleotide variant.
Coding change: c.382C>T on transcript NM_003718.5 (MANE Select); coding-DNA position 382, C replaced by T.
Protein change: p.Gln128Ter; replaces glutamine 128 with a stop codon.
Molecular consequence: nonsense.
Genome position (GRCh38, 1-based): chr7:39,951,023, C>T. VCF-style: chr7-39951023-C-T. GRCh37 (hg19) VCF-style: chr7-39990622-C-T.
Other names: c.382C>T, p.Gln128Ter (NM_031267.4); short protein forms Q128*.
Identifiers: ClinVar variation 3781062 (VCV003781062.2).
Genomic context (GRCh38, chr7:39,951,023, plus strand): 5'-GGGCCCCGCGCCGGGCAGGAGGCGGAGAAGCGTCGGGTCTTCTCGCTGCCCCAGCCGCAG[C>T]AGGACGGCGGTGGCGGTGCTAGTAGCGGCGGGGGTGTGACCCCGCTGGTGGAATACGAGG-3'

ClinVar aggregate classification (germline): Conflicting classifications of pathogenicity. Review status: criteria provided, conflicting classifications (1 of 4 stars). 2 submissions from 2 submitters: Likely pathogenic (1); Uncertain significance (1). Last evaluated 2024-10-10.

Conditions:
Congenital heart defects, dysmorphic facial features, and intellectual developmental disorder (CHDFIDD). Identifiers: Orphanet 646278, MedGen C4479246, MONDO:0044302, OMIM 617360.

Submissions (2):

GeneDx
Classification: Uncertain significance. Last evaluated: 2024-10-10. Review status: criteria provided, single submitter. Criteria: GeneDx Variant Classification Process June 2021. Collection method: clinical testing. Allele origin: germline. Affected: yes.
Comment: Nonsense variant predicted to result in protein truncation or nonsense mediated decay in a gene for which loss-of-function is not an established mechanism of disease; Not observed at significant frequency in large population cohorts (gnomAD); Has not been previously published as pathogenic or benign to our knowledge

3billion
Classification: Likely pathogenic for Congenital heart defects, dysmorphic facial features, and intellectual developmental disorder. Last evaluated: 2023-05-24. Review status: criteria provided, single submitter. Criteria: ACMG Guidelines, 2015. Collection method: research. Allele origin: germline. Inheritance: Autosomal dominant inheritance. Affected: yes.
Comment: The variant is not observed in the gnomAD v2.1.1 dataset. The variant is predicted to result in a loss or disruption of normal protein function through nonsense-mediated decay (NMD) or protein truncation. Multiple pathogenic variants are reported downstream of the variant. Therefore, the variant was classified as Likely pathogenic.